The following is an entry in ClinVar:

ClinVar aggregate classification (germline): Conflicting classifications of pathogenicity. Review status: criteria provided, conflicting classifications (1 of 4 stars). 3 submissions from 3 submitters: Uncertain significance (2); Likely benign (1). Last evaluated 2025-06-09.

Conditions:
DIAPH3-related disorder. Also called: DIAPH3-related condition.

Allele frequency attached by ClinVar (database versions not stated): gnomAD 0.00003; gnomAD exomes 0.00004; ExAC 0.00008; TOPMed 0.00008; 1000 Genomes Project 30x 0.00016.
gnomAD v4.1: 70 of 1,610,564 alleles (0.0043%); highest among the groups gnomAD compares: East Asian, 0.14%; no homozygotes.

Submissions (3):

PreventionGenetics, part of Exact Sciences
Classification: Likely benign for DIAPH3-related condition. Last evaluated: 2025-06-09. Review status: criteria provided, single submitter. Criteria: ACMG Guidelines, 2015. Collection method: clinical testing. Allele origin: germline.
Comment: This variant is classified as likely benign based on ACMG/AMP sequence variant interpretation guidelines (Richards et al. 2015 PMID: 25741868, with internal and published modifications).

Labcorp Genetics (formerly Invitae), Labcorp
Classification: Uncertain significance. Last evaluated: 2025-04-13. Review status: criteria provided, single submitter. Criteria: Invitae Variant Classification Sherloc (09022015). Collection method: clinical testing. Allele origin: germline.
Comment: This sequence change replaces methionine, which is neutral and non-polar, with isoleucine, which is neutral and non-polar, at codon 423 of the DIAPH3 protein (p.Met423Ile). This variant is present in population databases (rs374336128, gnomAD 0.2%), and has an allele count higher than expected for a pathogenic variant. This variant has not been reported in the literature in individuals affected with DIAPH3-related conditions. ClinVar contains an entry for this variant (Variation ID: 2473239). An algorithm developed to predict the effect of missense changes on protein structure and function outputs the following: PolyPhen-2: "Benign". The isoleucine amino acid residue is found in multiple mammalian species, which suggests that this missense change does not adversely affect protein function. In summary, the available evidence is currently insufficient to determine the role of this variant in disease. Therefore, it has been classified as a Variant of Uncertain Significance.

Ambry Genetics
Classification: Uncertain significance. Last evaluated: 2023-02-07. Review status: criteria provided, single submitter. Criteria: Ambry Variant Classification Scheme 2023. Collection method: clinical testing. Allele origin: germline.

NM_001042517.2(DIAPH3):c.1269G>A (p.Met423Ile)

Gene: DIAPH3 (diaphanous related formin 3; minus strand). Cytogenetic location: 13q21.2.
Variant type: single nucleotide variant.
Coding change: c.1269G>A on transcript NM_001042517.2 (MANE Select); coding-DNA position 1269, G replaced by A.
Protein change: p.Met423Ile; replaces methionine 423 with isoleucine.
Molecular consequence: missense variant.
Genome position (GRCh38, 1-based): chr13:59,991,250, C>T on the plus strand (G>A on the coding strand, the complement: DIAPH3 is on the minus strand). VCF-style: chr13-59991250-C-T. GRCh37 (hg19) VCF-style: chr13-60565384-C-T.
Other names: c.1236G>A, p.Met412Ile (NM_001258366.2); c.1131G>A, p.Met377Ile (NM_001258367.2); c.1059G>A, p.Met353Ile (NM_001258368.2); c.1269G>A, p.Met423Ile (NM_001258369.2); c.480G>A, p.Met160Ile (NM_001258370.2, NM_030932.4); short protein forms M160I, M353I, M423I, M412I, M377I.
Identifiers: ClinVar variation 2473239 (VCV002473239.6), dbSNP rs374336128, ClinGen allele CA6996752.